The following is an entry in ClinVar:

NM_024426.6(WT1):c.542G>C (p.Arg181Pro)

Genes: WT1 (WT1 transcription factor; minus strand), LOC107982234 (WT1/WT1-AS bi-directional promoter region; plus strand). Cytogenetic location: 11p13.
Variant type: single nucleotide variant.
Coding change: c.542G>C on transcript NM_024426.6 (MANE Select); coding-DNA position 542, G replaced by C.
Protein change: p.Arg181Pro; replaces arginine 181 with proline.
Molecular consequence: missense variant. On other transcripts: non-coding transcript variant (1).
Genome position (GRCh38, 1-based): chr11:32,434,819, C>G on the plus strand (G>C on the coding strand, the complement: WT1 is on the minus strand). VCF-style: chr11-32434819-C-G. GRCh37 (hg19) VCF-style: chr11-32456365-C-G.
Other names: c.542G>C, p.Arg181Pro (NM_000378.6, NM_024424.5); short protein forms R181P.
Identifiers: ClinVar variation 951827 (VCV000951827.13), dbSNP rs1853441270, ClinGen allele CA379964720.

ClinVar aggregate classification (germline): Uncertain significance. Review status: criteria provided, multiple submitters, no conflicts (2 of 4 stars). 4 submissions from 4 submitters: Uncertain significance (4). Last evaluated 2025-04-19.

Conditions:
Drash syndrome (DDS). Also called: WILMS TUMOR AND PSEUDO- OR TRUE HERMAPHRODITISM; NEPHROPATHY, WILMS TUMOR, AND GENITAL ANOMALIES. Identifiers: Orphanet 220, MedGen C0950121, MONDO:0008682, OMIM 194080.
Meacham syndrome. Also called: Meacham Winn Culler syndrome. Identifiers: Orphanet 3097, MedGen C1837026, MONDO:0012164, OMIM 608978.
Mesothelioma, malignant (MESOM). Also called: Malignant mesothelioma (disease). Identifiers: Orphanet 50251, MedGen C0345967, MONDO:0006292, OMIM 156240, HP:0100001.
Frasier syndrome. Identifiers: Orphanet 347, MedGen C0950122, MeSH D052159, MONDO:0007635, OMIM 136680.
Nephrotic syndrome, type 4 (NPHS4). Also called: Familial mesangial sclerosis; Nephrotic syndrome, early onset with diffuse mesangial sclerosis. Identifiers: Orphanet 656, MedGen C3151568, MONDO:0009733, OMIM 256370.
Wilms tumor 1 (WT1). Also called: Wilms tumor, somatic. Identifiers: Orphanet 654, MedGen CN033288, MONDO:0008679, OMIM 194070.
11p partial monosomy syndrome (WAGR). Also called: WAGR syndrome; CHROMOSOME 11p13 DELETION SYNDROME; WAGR Complex; WAGR Spectrum Disorder. Identifiers: Orphanet 893, MedGen C0206115, MONDO:0008681, OMIM 194072.
Inborn genetic diseases. Identifiers: MedGen C0950123, MeSH D030342.

Allele frequency attached by ClinVar (database versions not stated): gnomAD exomes 0.00001.

Submissions (4):

Ambry Genetics
Classification: Uncertain significance for Inborn genetic diseases. Last evaluated: 2025-04-19. Review status: criteria provided, single submitter. Criteria: Ambry Variant Classification Scheme 2023. Collection method: clinical testing. Allele origin: germline.
Comment: The p.R176P variant (also known as c.527G>C), located in coding exon 1 of the WT1 gene, results from a G to C substitution at nucleotide position 527. The arginine at codon 176 is replaced by proline, an amino acid with dissimilar properties. This amino acid position is conserved. In addition, this alteration is predicted to be deleterious by in silico analysis. Based on the available evidence, the clinical significance of this variant remains unclear.

Labcorp Genetics (formerly Invitae), Labcorp
Classification: Uncertain significance for Wilms tumor 1; Drash syndrome; 11p partial monosomy syndrome; Frasier syndrome. Last evaluated: 2024-05-23. Review status: criteria provided, single submitter. Criteria: Invitae Variant Classification Sherloc (09022015). Collection method: clinical testing. Allele origin: germline.
Comment: This sequence change replaces arginine, which is basic and polar, with proline, which is neutral and non-polar, at codon 176 of the WT1 protein (p.Arg176Pro). This variant is not present in population databases (gnomAD no frequency). This variant has not been reported in the literature in individuals affected with WT1-related conditions. ClinVar contains an entry for this variant (Variation ID: 951827). An algorithm developed to predict the effect of missense changes on protein structure and function (PolyPhen-2) suggests that this variant is likely to be disruptive. In summary, the available evidence is currently insufficient to determine the role of this variant in disease. Therefore, it has been classified as a Variant of Uncertain Significance.

Fulgent Genetics
Classification: Uncertain significance for Frasier syndrome; Mesothelioma, malignant; Wilms tumor 1; Drash syndrome; Nephrotic syndrome, type 4; Meacham syndrome. Last evaluated: 2024-01-31. Review status: criteria provided, single submitter. Criteria: ACMG Guidelines, 2015. Collection method: clinical testing. Allele origin: germline.

Baylor Genetics
Classification: Uncertain significance for Drash syndrome. Last evaluated: 2023-08-14. Review status: criteria provided, single submitter. Criteria: ACMG Guidelines, 2015. Collection method: clinical testing. Allele origin: unknown.